The following is an entry in ClinVar:

ClinVar aggregate classification (germline): Uncertain significance. Review status: criteria provided, multiple submitters, no conflicts (2 of 4 stars). 2 submissions from 2 submitters: Uncertain significance (2). Last evaluated 2025-11-12.

Conditions:
Oxoglutaricaciduria. Identifiers: Orphanet 31, MedGen C2752074, MONDO:0008759, OMIM 203740.

Allele frequency attached by ClinVar (database versions not stated): ExAC 0.00004; gnomAD exomes 0.00004; gnomAD 0.00001; TOPMed 0.00003.
gnomAD v4.1: 59 of 1,610,402 alleles (0.0037%); highest among the groups gnomAD compares: South Asian, 0.027%; no homozygotes.

Submissions (2):

Ambry Genetics
Classification: Uncertain significance. Last evaluated: 2025-11-12. Review status: criteria provided, single submitter. Criteria: Ambry Variant Classification Scheme 2023. Collection method: clinical testing. Allele origin: germline.

Labcorp Genetics (formerly Invitae), Labcorp
Classification: Uncertain significance for Oxoglutaricaciduria. Last evaluated: 2025-09-15. Review status: criteria provided, single submitter. Criteria: Invitae Variant Classification Sherloc (09022015). Collection method: clinical testing. Allele origin: germline.
Comment: This sequence change replaces arginine, which is basic and polar, with tryptophan, which is neutral and slightly polar, at codon 204 of the OGDH protein (p.Arg204Trp). This variant is present in population databases (rs770424407, gnomAD 0.03%). This variant has not been reported in the literature in individuals affected with OGDH-related conditions. ClinVar contains an entry for this variant (Variation ID: 2147693). Invitae Evidence Modeling of protein sequence and biophysical properties (such as structural, functional, and spatial information, amino acid conservation, physicochemical variation, residue mobility, and thermodynamic stability) indicates that this missense variant is not expected to disrupt OGDH protein function with a negative predictive value of 80%. In summary, the available evidence is currently insufficient to determine the role of this variant in disease. Therefore, it has been classified as a Variant of Uncertain Significance.

NM_002541.4(OGDH):c.610C>T (p.Arg204Trp)

Gene: OGDH (oxoglutarate dehydrogenase; plus strand). Cytogenetic location: 7p13.
Variant type: single nucleotide variant.
Coding change: c.610C>T on transcript NM_002541.4 (MANE Select); coding-DNA position 610, C replaced by T.
Protein change: p.Arg204Trp; replaces arginine 204 with tryptophan.
Molecular consequence: missense variant.
Genome position (GRCh38, 1-based): chr7:44,666,828, C>T. VCF-style: chr7-44666828-C-T. GRCh37 (hg19) VCF-style: chr7-44706427-C-T.
Other names: c.610C>T, p.Arg204Trp (NM_001003941.3); c.598C>T, p.Arg200Trp (NM_001165036.2); c.643C>T, p.Arg215Trp (NM_001363523.2); c.610C>T (NM_002541.3); short protein forms R215W, R204W, R200W.
Identifiers: ClinVar variation 2147693 (VCV002147693.5), dbSNP rs770424407, ClinGen allele CA4243615.